The following is an entry in ClinVar:

ClinVar aggregate classification (germline): Uncertain significance. Review status: criteria provided, multiple submitters, no conflicts (2 of 4 stars). 2 submissions from 2 submitters: Uncertain significance (2). Last evaluated 2025-04-10.

Conditions:
Inborn genetic diseases. Identifiers: MedGen C0950123, MeSH D030342.

gnomAD v4.1: 12 of 1,613,082 alleles (0.00074%); highest among the groups gnomAD compares: Admixed American, 0.0033%; no homozygotes.

Submissions (2):

Labcorp Genetics (formerly Invitae), Labcorp
Classification: Uncertain significance. Last evaluated: 2025-04-10. Review status: criteria provided, single submitter. Criteria: Invitae Variant Classification Sherloc (09022015). Collection method: clinical testing. Allele origin: germline.
Comment: This sequence change replaces glycine, which is neutral and non-polar, with arginine, which is basic and polar, at codon 785 of the AHDC1 protein (p.Gly785Arg). This variant is present in population databases (no rsID available, gnomAD 0.004%). This variant has not been reported in the literature in individuals affected with AHDC1-related conditions. An algorithm developed to predict the effect of missense changes on protein structure and function (PolyPhen-2) suggests that this variant is likely to be disruptive. In summary, the available evidence is currently insufficient to determine the role of this variant in disease. Therefore, it has been classified as a Variant of Uncertain Significance.

Ambry Genetics
Classification: Uncertain significance for Inborn genetic diseases. Last evaluated: 2025-03-26. Review status: criteria provided, single submitter. Criteria: Ambry Variant Classification Scheme 2023. Collection method: clinical testing. Allele origin: germline.

NM_001371928.1(AHDC1):c.2353G>A (p.Gly785Arg)

Gene: AHDC1 (AT-hook DNA binding motif containing 1; minus strand). Cytogenetic location: 1p36.11.
Variant type: single nucleotide variant.
Coding change: c.2353G>A on transcript NM_001371928.1 (MANE Select); coding-DNA position 2353, G replaced by A.
Protein change: p.Gly785Arg; replaces glycine 785 with arginine.
Molecular consequence: missense variant.
Genome position (GRCh38, 1-based): chr1:27,549,763, C>T on the plus strand (G>A on the coding strand, the complement: AHDC1 is on the minus strand). VCF-style: chr1-27549763-C-T. GRCh37 (hg19) VCF-style: chr1-27876274-C-T.
Other names: c.2353G>A, p.Gly785Arg (NM_001029882.3); short protein forms G785R.
Identifiers: ClinVar variation 4025923 (VCV004025923.2).